The following is an entry in ClinVar:

NM_003238.6(TGFB2):c.*2839G>A

Gene: TGFB2 (transforming growth factor beta 2; plus strand). Cytogenetic location: 1q41.
Variant type: single nucleotide variant.
Coding change: c.*2839G>A on transcript NM_003238.6 (MANE Select); 2839 bases downstream of the stop codon, G replaced by A.
Molecular consequence: 3 prime UTR variant. On other transcripts: non-coding transcript variant (2).
Genome position (GRCh38, 1-based): chr1:218,444,201, G>A. VCF-style: chr1-218444201-G-A. GRCh37 (hg19) VCF-style: chr1-218617543-G-A.
Other names: c.*2839G>A (NM_001135599.4).
Identifiers: ClinVar variation 295535 (VCV000295535.6), dbSNP rs6704255, ClinGen allele CA10609230.

ClinVar aggregate classification (germline): Benign. Review status: criteria provided, multiple submitters, no conflicts (2 of 4 stars). 2 submissions from 2 submitters: Benign (2). Last evaluated 2017-04-27.

Conditions:
Loeys-Dietz syndrome 4 (LDS4). Also called: ANEURYSM, AORTIC AND CEREBRAL, WITH ARTERIAL TORTUOSITY AND SKELETAL MANIFESTATIONS; TGFB2-Related Loeys-Dietz Syndrome. Identifiers: MedGen C3553762, MONDO:0013897, OMIM 614816.

Allele frequency attached by ClinVar (database versions not stated): gnomAD 0.35183; TOPMed 0.36956; 1000 Genomes Project 30x 0.43488; 1000 Genomes Project 0.44389.

Submissions (2):

Illumina Laboratory Services, Illumina
Classification: Benign for Loeys-Dietz syndrome 4. Last evaluated: 2017-04-27. Review status: criteria provided, single submitter. Criteria: ICSL Variant Classification Criteria 13 December 2019. Collection method: clinical testing. Allele origin: germline.
Comment: This variant was observed as part of a predisposition screen in an ostensibly healthy population. A literature search was performed for the gene, cDNA change, and amino acid change (where applicable). No publications were found based on this search. Allele frequency data from public databases was too high to be consistent with this variant causing disease. Therefore, this variant is classified as benign.

Breakthrough Genomics
Classification: Benign. Review status: criteria provided, single submitter. Criteria: ACMG Guidelines, 2015. Collection method: not provided. Allele origin: germline. Inheritance: Autosomal dominant inheritance. Affected: yes.